The following is an entry in ClinVar:

NM_022098.4(XPNPEP3):c.817A>G (p.Ser273Gly)

Gene: XPNPEP3 (X-prolyl aminopeptidase 3; plus strand). Cytogenetic location: 22q13.2.
Variant type: single nucleotide variant.
Coding change: c.817A>G on transcript NM_022098.4 (MANE Select); coding-DNA position 817, A replaced by G.
Protein change: p.Ser273Gly; replaces serine 273 with glycine.
Molecular consequence: missense variant.
Genome position (GRCh38, 1-based): chr22:40,907,611, A>G. VCF-style: chr22-40907611-A-G. GRCh37 (hg19) VCF-style: chr22-41303615-A-G.
Other names: short protein forms S273G.
Identifiers: ClinVar variation 695160 (VCV000695160.18), dbSNP rs138501598, ClinGen allele CA10251758.

ClinVar aggregate classification (germline): Conflicting classifications of pathogenicity. Review status: criteria provided, conflicting classifications (1 of 4 stars). 4 submissions from 4 submitters: Uncertain significance (2); Likely benign (1). 1 of the submissions does not count toward it. Last evaluated 2025-11-29.

Conditions:
Inborn genetic diseases. Identifiers: MedGen C0950123, MeSH D030342.
Nephronophthisis-like nephropathy 1 (NPHPL1). Identifiers: Orphanet 655, MedGen C3150419, MONDO:0013163, OMIM 613159.
XPNPEP3-related disorder. Also called: XPNPEP3-related condition.

Allele frequency attached by ClinVar (database versions not stated): 1000 Genomes Project 0.00020; 1000 Genomes Project 30x 0.00031; ExAC 0.00064; TOPMed 0.00066; gnomAD exomes 0.00079 and 0.00080; gnomAD 0.00083 and 0.00085; ESP Exome Variant Server 0.00115.
gnomAD v4.1: 1,323 of 1,614,094 alleles (0.082%); highest among the groups gnomAD compares: Non-Finnish European, 0.079%; 1 homozygote.

Submissions (6):

Labcorp Genetics (formerly Invitae), Labcorp
Classification: Likely benign for Nephronophthisis-like nephropathy 1. Last evaluated: 2025-11-29. Review status: criteria provided, single submitter. Criteria: Invitae Variant Classification Sherloc (09022015). Collection method: clinical testing. Allele origin: germline.

Ambry Genetics
Classification: Uncertain significance for Inborn genetic diseases. Last evaluated: 2021-08-02. Review status: criteria provided, single submitter. Criteria: Ambry Variant Classification Scheme 2023. Collection method: clinical testing. Allele origin: germline.

Illumina Laboratory Services, Illumina
Classification: Uncertain significance for Nephronophthisis-like nephropathy 1. Last evaluated: 2018-01-12. Review status: criteria provided, single submitter. Criteria: ICSL Variant Classification Criteria 13 December 2019. Collection method: clinical testing. Allele origin: germline.

PreventionGenetics, part of Exact Sciences
Classification: Likely benign for XPNPEP3-related condition. Last evaluated: 2019-09-06. Review status: no assertion criteria provided. Collection method: clinical testing. Allele origin: germline. Not counted in ClinVar's aggregate classification.
Comment: This variant is classified as likely benign based on ACMG/AMP sequence variant interpretation guidelines (Richards et al. 2015 PMID: 25741868, with internal and published modifications).

Dr. Peter K. Rogan Lab, Western University
No classification provided (evidence only). Condition: Melanoma. Review status: no classification provided. Collection method: in vitro. Allele origin: not applicable. Functional consequence: retained intron. Not counted in ClinVar's aggregate classification.

Dr. Peter K. Rogan Lab, Western University
No classification provided (evidence only). Condition: Familial cancer of breast. Review status: no classification provided. Collection method: in vitro. Allele origin: not applicable. Functional consequence: retained intron. Not counted in ClinVar's aggregate classification.